The following is an entry in ClinVar:

ClinVar aggregate classification (germline): Uncertain significance (1 of 4 stars; one submission).

Submission:

GeneDx
Classification: Uncertain significance. Last evaluated: 2021-01-06. Review status: criteria provided, single submitter. Criteria: GeneDx Variant Classification Process June 2021. Collection method: clinical testing. Allele origin: germline. Affected: yes.
Comment: Nonsense variant predicted to result in protein truncation as the last 8 amino acids are lost, although loss-of-function variants have not been reported downstream of this position in the protein; Has not been previously published as pathogenic or benign to our knowledge

NM_017721.5(CC2D1A):c.2830_2831del (p.Glu943_Ser944insTer)

Gene: CC2D1A (coiled-coil and C2 domain containing 1A; plus strand). Cytogenetic location: 19p13.12.
Variant type: Microsatellite.
Coding change: c.2830_2831del on transcript NM_017721.5 (MANE Select); coding-DNA positions 2830 to 2831, 2 bases deleted (AG; older notation c.2830_2831delAG).
Protein change: p.Glu943_Ser944insTer.
Molecular consequence: nonsense.
Genome position (GRCh38, 1-based): chr19:13,930,284-13,930,285, AG deleted; deleting any 2 consecutive bases within chr19:13,930,280-13,930,285 gives the same sequence; the c. name uses the placement nearest the transcript's 3' end. VCF-style (leftmost placement, unchanged base first): chr19-13930279-TAG-T. GRCh37 (hg19) VCF-style: chr19-14041092-TAG-T.
Identifiers: ClinVar variation 1303884 (VCV001303884.2), dbSNP rs761827146, ClinGen allele CA9245240.
Genomic context (GRCh38, chr19:13,930,279, plus strand): 5'-TGCTGAATGCCCATCCCCCACAGGATGCTGCAAAGGAGGCGCTCTATAGGCGGAATCTGG[TAG>T]AGAGTGAGGTAAGCAGCTTAGGAGATGGGGTGGTTGGGGGATCACTGTGGTCGTAGCCCA-3'